The following is an entry in ClinVar:

NM_007294.4(BRCA1):c.1333G>C (p.Glu445Gln)

Gene: BRCA1 (BRCA1 DNA repair associated; minus strand). Cytogenetic location: 17q21.31.
Variant type: single nucleotide variant.
Coding change: c.1333G>C on transcript NM_007294.4 (MANE Select); coding-DNA position 1333, G replaced by C.
Protein change: p.Glu445Gln; replaces glutamic acid 445 with glutamine.
Molecular consequence: missense variant. On other transcripts: intron variant (137).
Genome position (GRCh38, 1-based): chr17:43,094,198, C>G on the plus strand (G>C on the coding strand, the complement: BRCA1 is on the minus strand). VCF-style: chr17-43094198-C-G. GRCh37 (hg19) VCF-style: chr17-41246215-C-G.
Other names: c.1120G>C, p.Glu374Gln (NM_001407571.1, NM_001407853.1, NM_001407894.1 and 9 more transcripts); c.1333G>C, p.Glu445Gln (NM_001407581.1, NM_001407582.1, NM_001407583.1 and 30 more transcripts); c.1330G>C, p.Glu444Gln (NM_001407587.1, NM_001407590.1, NM_001407591.1 and 22 more transcripts); c.1324G>C, p.Glu442Gln (NM_001407646.1, NM_001407647.1); c.1210G>C, p.Glu404Gln (NM_001407648.1, NM_001407664.1, NM_001407665.1 and 19 more transcripts); c.1207G>C, p.Glu403Gln (NM_001407649.1, NM_001407670.1, NM_001407671.1 and 11 more transcripts); c.1255G>C, p.Glu419Gln (NM_001407653.1, NM_001407654.1, NM_001407655.1 and 4 more transcripts); c.1252G>C, p.Glu418Gln (NM_001407659.1, NM_001407660.1, NM_001407661.1 and 1 more transcripts); and 41 more; short protein forms E445Q, E398Q, E277Q, E374Q, E377Q, E418Q, E444Q, E318Q.
Identifiers: ClinVar variation 54203 (VCV000054203.44), dbSNP rs80356915, ClinGen allele CA000868.
Genomic context (GRCh38, chr17:43,094,198, plus strand): 5'-AGGTTTTCCCAAATATTTTGTCTTCAATATTACTCTCTACTGATTTGGAGTGAACTCTTT[C>G]ACTTTTACATATTAAAGCCTCATGAGGATCACTGGCCAGTAAGTCTATTTTCTCTGAAGA-3'
Protein context (NP_009225.1, residues 435-455): DPHEALICKS[Glu445Gln]RVHSKSVESN

ClinVar aggregate classification (germline): Conflicting classifications of pathogenicity. Review status: criteria provided, conflicting classifications (1 of 4 stars). 13 submissions from 13 submitters: Uncertain significance (7); Benign (1); Likely benign (2). 3 of the submissions do not count toward it. Last evaluated 2026-01-06.

Conditions:
BRCA1-related cancer predisposition. Identifiers: MedGen CN377757, MONDO:0700268.
Hereditary cancer-predisposing syndrome. Also called: Tumor predisposition; Neoplastic Syndromes, Hereditary; Hereditary Cancer Syndrome; Hereditary neoplastic syndrome. Identifiers: Orphanet 140162, MedGen C0027672, MeSH D009386, MONDO:0015356.
Hereditary breast ovarian cancer syndrome. Also called: Hereditary breast and ovarian cancer syndrome (HBOC); Hereditary breast and ovarian cancer syndrome; Hereditary breast and ovarian cancer; Hereditary breast and/or ovarian cancer syndrome; Breast and ovarian cancer; BRCA1- and BRCA2-Associated Hereditary Breast and Ovarian Cancer. Identifiers: Orphanet 145, MedGen C0677776, MeSH D061325, MONDO:0003582. Disease mechanism: loss of function.
Breast-ovarian cancer, familial, susceptibility to, 1 (BROVCA1). Also called: OVARIAN CANCER, SUSCEPTIBILITY TO; BRCA1 Hereditary Breast and Ovarian Cancer. Identifiers: Orphanet 145, MedGen C2676676, MONDO:0011450, OMIM 604370. Disease mechanism: loss of function.

Allele frequency attached by ClinVar (database versions not stated): TOPMed below 0.00001; gnomAD 0.00001; gnomAD exomes 0.00003; ExAC 0.00004.
gnomAD v4.1: 19 of 1,613,936 alleles (0.0012%); highest among the groups gnomAD compares: South Asian, 0.0077%; no homozygotes.

Submissions 1 to 6 of 13:

Labcorp Genetics (formerly Invitae), Labcorp
Classification: Uncertain significance for Hereditary breast ovarian cancer syndrome. Last evaluated: 2026-01-06. Review status: criteria provided, single submitter. Criteria: Invitae Variant Classification Sherloc (09022015). Collection method: clinical testing. Allele origin: germline.
Comment: This sequence change replaces glutamic acid, which is acidic and polar, with glutamine, which is neutral and polar, at codon 445 of the BRCA1 protein (p.Glu445Gln). This variant is present in population databases (rs80356915, gnomAD 0.01%). This missense change has been observed in individual(s) with breast cancer, male breast cancer, and/or ovarian cancer (PMID: 26689913, 27062684, 29409476, 29625052, 30613976, 34981296). ClinVar contains an entry for this variant (Variation ID: 54203). Invitae Evidence Modeling of protein sequence and biophysical properties (such as structural, functional, and spatial information, amino acid conservation, physicochemical variation, residue mobility, and thermodynamic stability) indicates that this missense variant is expected to disrupt BRCA1 protein function with a positive predictive value of 80%. Experimental studies have shown that this missense change does not substantially affect BRCA1 function (PMID: 26689913, 32546644). In summary, the available evidence is currently insufficient to determine the role of this variant in disease. Therefore, it has been classified as a Variant of Uncertain Significance.

Ambry Genetics
Classification: Uncertain significance for Hereditary cancer-predisposing syndrome. Last evaluated: 2025-08-25. Review status: criteria provided, single submitter. Criteria: Ambry Variant Classification Scheme 2023. Collection method: clinical testing. Allele origin: germline.
Comment: The p.E445Q variant (also known as c.1333G>C), located in coding exon 9 of the BRCA1 gene, results from a G to C substitution at nucleotide position 1333. The glutamic acid at codon 445 is replaced by glutamine, an amino acid with highly similar properties. This amino acid position is not well conserved in available vertebrate species. In addition, the in silico prediction for this alteration is inconclusive. Based on the available evidence, the clinical significance of this variant remains unclear.

Quest Diagnostics Nichols Institute San Juan Capistrano
Classification: Uncertain significance. Last evaluated: 2025-04-14. Review status: criteria provided, single submitter. Criteria: Quest Diagnostics criteria. Collection method: clinical testing. Allele origin: unknown.
Comment: The BRCA1 c.1333G>C (p.Glu445Gln) variant has been reported in the published literature in individuals affected with breast and/or ovarian cancer (PMID: 16267036 (2005), 27062684 (2016), 29409476 (2018), 29625052 (2018), 30613976 (2019), 31409081 (2019), 33471991 (2021), 34326862 (2021), 35402282 (2022), 38709234 (2024), see also LOVD) and is described to be located in a region of the BRCA1 gene that is tolerant to missense sequence changes (PMID: 31911673 (2020)). This variant has also been reported in individuals with Gorlin syndrome (PMID: 28529006 (2017)) and oligodendroglioma (PMID: 29625052 (2018)). In addition, functional studies suggests that this variant does not impact homology-directed repair activity of the BRCA1 protein (PMID: 26689913 (2015), 32546644 (2020)). The frequency of this variant in the general population (Genome Aggregation Database) is uninformative in the assessment of its pathogenicity. Analysis of this variant using bioinformatics tools for the prediction of the effect of amino acid changes on protein structure and function yielded conflicting predictions that this variant is benign or damaging. Based on the available information, we are unable to determine the clinical significance of this variant.

Center for Genomic Medicine, Rigshospitalet, Copenhagen University Hospital
Classification: Likely benign. Last evaluated: 2025-03-04. Review status: criteria provided, single submitter. Criteria: ACMG Guidelines, 2015. Collection method: clinical testing. Allele origin: germline.

Molecular Diagnostics Laboratory, Catalan Institute of Oncology
Classification: Benign for Hereditary cancer-predisposing syndrome. Last evaluated: 2025-02-25. Review status: criteria provided, single submitter. Criteria: ClinGen BRCA1BRCA2 ACMG Specifications BRCA1 V1.0.0. Collection method: clinical testing. Allele origin: germline.
Comment: BS3, BP1_Strong c.1333G>C, located in exon 10 (11 according BIC nomenclature) of the BRCA1 gene, is predicted to result in the substitution of glutamic acid by glutamine at codon 445, p.(Glu445Gln). This position is outside a (potentially) clinically important functional domain and, moreover, the SpliceAI algorithm predicts no significant impact on splicing (BP1_strong). This variant is found in 5/267794 alleles at a frequency of 0.0019% in the gnomAD v2.1.1 database, non-cancer dataset. BRCA1 c.1333G>C was reported by one calibrated study to affect protein function similar to benign control variants (PMID: 32546644) (BS3). To our knowledge, no relevant clinical data has been reported for this variant. In addition, it was also identified in the following databases: BRCA Exchange (Not Yet Reviewed), ClinVar (1x benign, 2x likely benign, 8x uncertain significance) and LOVD (1x likely benign, 4x uncertain significance). Based on the currently available information, c.1333G>C is classified as a benign variant according to ClinGen-BRCA1 Guidelines version v1.0.0.

All of Us Research Program, National Institutes of Health
Classification: Uncertain significance for BRCA1-related cancer predisposition. Last evaluated: 2024-06-11. Review status: criteria provided, single submitter. Criteria: ACMG Guidelines, 2015. Collection method: clinical testing. Allele origin: germline. Inheritance: Autosomal dominant inheritance. Observed: 6 variant alleles, 6 heterozygotes.
Comment: This missense variant replaces glutamic acid with glutamine at codon 445 of the BRCA1 protein. Computational prediction is inconclusive regarding the impact of this variant on protein structure and function (internally defined REVEL score threshold 0.5 < inconclusive < 0.7, PMID: 27666373). A functional study has been reported that this variant does not impact BRCA1 function in a homology-directed repair assay (PMID: 26689913). This variant has been reported in at least four individuals affected with breast cancer and in suspected hereditary breast and ovarian cancer families (PMID: 26689913, 27062684, 29409476, 30613976, 31409081), and in a breast cancer case-control meta-analysis in 2/53459 unaffected individuals and absent in 60466 cases (PMID: 33471991; Leiden Open Variation Database DB-ID BRCA1_000141). This variant also has been reported in an individual affected with oligodendroglioma (PMID: 29625052) and in two individuals affected with Cowden syndrome or Bannayan-Riley-Ruvalcaba syndrome (PMID: 29684080). This variant has been identified in 7/250918 chromosomes in the general population by the Genome Aggregation Database (gnomAD). The available evidence is insufficient to determine the role of this variant in disease conclusively. Therefore, this variant is classified as a Variant of Uncertain Significance.

This study involves interpretation of variants in research participants for the purpose of population health screening. Participant phenotype was not available at the time of variant classification. Additional details can be found in publication PMID: 35346344, PMCID: PMC8962531